The following is an entry in ClinVar:

ClinVar aggregate classification (germline): Benign/Likely benign. Review status: criteria provided, multiple submitters, no conflicts (2 of 4 stars). 14 submissions from 14 submitters: Benign (7); Likely benign (5). 2 of the submissions do not count toward it. Last evaluated 2026-03-27.

Conditions:
Cardiovascular phenotype. Identifiers: MedGen CN230736.
Loeys-Dietz syndrome 4 (LDS4). Also called: TGFB2-Related Loeys-Dietz Syndrome; ANEURYSM, AORTIC AND CEREBRAL, WITH ARTERIAL TORTUOSITY AND SKELETAL MANIFESTATIONS. Identifiers: MedGen C3553762, MONDO:0013897, OMIM 614816.

Allele frequency attached by ClinVar (database versions not stated): gnomAD exomes 0.00030 and 0.00074; ExAC 0.00085; 1000 Genomes Project 0.00280; 1000 Genomes Project 30x 0.00281; gnomAD 0.00324 and 0.00359; TOPMed 0.00362; ESP Exome Variant Server 0.00377.
gnomAD v4.1: 952 of 1,597,108 alleles (0.06%); highest among the groups gnomAD compares: African/African-American, 1.1%; 6 homozygotes.

Submissions (14):

Molecular Diagnostic Laboratory for Inherited Cardiovascular Disease, Montreal Heart Institute
Classification: Likely benign. Last evaluated: 2026-03-27. Review status: criteria provided, single submitter. Criteria: ACMG Guidelines, 2015. Collection method: clinical testing. Allele origin: germline. Affected: no.
Comment: BS1;BP7

Labcorp Genetics (formerly Invitae), Labcorp
Classification: Benign for Loeys-Dietz syndrome 4. Last evaluated: 2026-01-26. Review status: criteria provided, single submitter. Criteria: Invitae Variant Classification Sherloc (09022015). Collection method: clinical testing. Allele origin: germline.

ARUP Laboratories, Molecular Genetics and Genomics, ARUP Laboratories
Classification: Benign for Loeys-Dietz syndrome 4. Last evaluated: 2025-07-14. Review status: criteria provided, single submitter. Criteria: ARUP Molecular Germline Variant Investigation Process 2024. Collection method: clinical testing. Allele origin: germline.

Blueprint Genetics
Classification: Likely benign. Last evaluated: 2024-11-05. Review status: criteria provided, single submitter. Criteria: ACMG Guidelines, 2015. Collection method: clinical testing. Allele origin: germline.

Women's Health and Genetics/Laboratory Corporation of America, LabCorp
Classification: Likely benign. Last evaluated: 2024-08-03. Review status: criteria provided, single submitter. Criteria: LabCorp Variant Classification Summary - May 2015. Collection method: clinical testing. Allele origin: germline.

Mayo Clinic Laboratories, Mayo Clinic
Classification: Benign. Last evaluated: 2023-03-15. Review status: criteria provided, single submitter. Criteria: ACMG Guidelines, 2015. Collection method: clinical testing. Allele origin: germline. Observed: 4 variant alleles.
Comment: BS1, BS2, BP4, BP7

CeGaT Center for Human Genetics Tuebingen
Classification: Benign. Last evaluated: 2023-02-01. Review status: criteria provided, single submitter. Criteria: CeGaT Center For Human Genetics Tuebingen Variant Classification Criteria Version 2. Collection method: clinical testing. Allele origin: germline. Affected: yes. Observed: 1 variant allele.
Comment: TGFB2: BP4, BS1, BS2

Eurofins Ntd Llc (ga)
Classification: Benign. Last evaluated: 2016-10-11. Review status: criteria provided, single submitter. Criteria: EGL Classification Definitions 2015. Collection method: clinical testing. Allele origin: germline. Observed: 1 variant allele, 1 heterozygote.

Ambry Genetics
Classification: Likely benign for Cardiovascular phenotype. Last evaluated: 2015-04-02. Review status: criteria provided, single submitter. Criteria: Ambry Autosomal Dominant and X-Linked criteria (10/2015). Collection method: clinical testing. Allele origin: germline. Observed: 1 variant allele.

GeneDx
Classification: Benign. Last evaluated: 2014-07-22. Review status: criteria provided, single submitter. Criteria: GeneDx Variant Classification (06012015). Collection method: clinical testing. Allele origin: germline. Affected: yes.
Comment: This variant is considered likely benign or benign based on one or more of the following criteria: it is a conservative change, it occurs at a poorly conserved position in the protein, it is predicted to be benign by multiple in silico algorithms, and/or has population frequency not consistent with disease.

Breakthrough Genomics
Classification: Likely benign. Review status: criteria provided, single submitter. Criteria: ACMG Guidelines, 2015. Collection method: not provided. Allele origin: germline. Inheritance: Autosomal dominant inheritance. Affected: yes.

PreventionGenetics, part of Exact Sciences
Classification: Benign. Review status: criteria provided, single submitter. Criteria: ACMG Guidelines, 2015. Collection method: clinical testing. Allele origin: germline.

Clinical Genetics DNA and cytogenetics Diagnostics Lab, Erasmus MC, Erasmus Medical Center
Classification: Likely benign. Review status: no assertion criteria provided. Collection method: clinical testing. Allele origin: germline. Affected: yes. Study: VKGL Data-share Consensus. Not counted in ClinVar's aggregate classification.

Laboratory of Diagnostic Genome Analysis, Leiden University Medical Center (LUMC)
Classification: Likely benign. Review status: no assertion criteria provided. Collection method: clinical testing. Allele origin: germline. Affected: yes. Study: VKGL Data-share Consensus. Not counted in ClinVar's aggregate classification.

NM_003238.6(TGFB2):c.1239C>T (p.Cys413=)

Gene: TGFB2 (transforming growth factor beta 2; plus strand). Cytogenetic location: 1q41.
Variant type: single nucleotide variant.
Coding change: c.1239C>T on transcript NM_003238.6 (MANE Select); coding-DNA position 1239, C replaced by T.
Protein change: p.Cys413=; no amino-acid change (cysteine 413 retained).
Molecular consequence: synonymous variant. On other transcripts: non-coding transcript variant (2).
Genome position (GRCh38, 1-based): chr1:218,441,356, C>T. VCF-style: chr1-218441356-C-T. GRCh37 (hg19) VCF-style: chr1-218614698-C-T.
Other names: p.C413C:TGC>TGT; p.Cys413=; c.1323C>T (NM_001135599.3); c.1239C>T (NM_003238.4); c.1323C>T, p.Cys441= (NM_001135599.4).
Identifiers: ClinVar variation 213838 (VCV000213838.51), dbSNP rs141225367, ClinGen allele CA323064.